The following is an entry in ClinVar:

NM_001184.4(ATR):c.962T>C (p.Leu321Pro)

Gene: ATR (ATR checkpoint kinase; minus strand). Cytogenetic location: 3q23.
Variant type: single nucleotide variant.
Coding change: c.962T>C on transcript NM_001184.4 (MANE Select); coding-DNA position 962, T replaced by C.
Protein change: p.Leu321Pro; replaces leucine 321 with proline.
Molecular consequence: missense variant.
Genome position (GRCh38, 1-based): chr3:142,562,440, A>G on the plus strand (T>C on the coding strand, the complement: ATR is on the minus strand). VCF-style: chr3-142562440-A-G. GRCh37 (hg19) VCF-style: chr3-142281282-A-G.
Other names: c.962T>C, p.Leu321Pro (NM_001354579.2); short protein forms L321P.
Identifiers: ClinVar variation 2587562 (VCV002587562.2), dbSNP rs2473426164, ClinGen allele CA354824346.

ClinVar aggregate classification (germline): Uncertain significance (1 of 4 stars; one submission).

Conditions:
Inborn genetic diseases. Identifiers: MedGen C0950123, MeSH D030342.

Submission:

Ambry Genetics
Classification: Uncertain significance for Inborn genetic diseases. Last evaluated: 2023-07-05. Review status: criteria provided, single submitter. Criteria: Ambry Variant Classification Scheme 2023. Collection method: clinical testing. Allele origin: germline.
Comment: The p.L321P variant (also known as c.962T>C), located in coding exon 4 of the ATR gene, results from a T to C substitution at nucleotide position 962. The leucine at codon 321 is replaced by proline, an amino acid with similar properties. This amino acid position is conserved. In addition, this alteration is predicted to be deleterious by in silico analysis. Since supporting evidence is limited at this time, the clinical significance of this alteration remains unclear.